The following is an entry in ClinVar:

ClinVar aggregate classification (germline): Benign (1 of 4 stars; one submission).

Allele frequency attached by ClinVar (database versions not stated): gnomAD 0.05079 and 0.05433; 1000 Genomes Project 0.05491; TOPMed 0.05689; 1000 Genomes Project 30x 0.06152.
gnomAD v4.1: 7,643 of 152,244 alleles (5%); highest among the groups gnomAD compares: African/African-American, 17%; 672 homozygotes.

Submission:

GeneDx
Classification: Benign. Last evaluated: 2018-06-14. Review status: criteria provided, single submitter. Criteria: GeneDx Variant Classification (06012015). Collection method: clinical testing. Allele origin: germline. Affected: yes.
Comment: This variant is considered likely benign or benign based on one or more of the following criteria: it is a conservative change, it occurs at a poorly conserved position in the protein, it is predicted to be benign by multiple in silico algorithms, and/or has population frequency not consistent with disease.

NM_001330078.2(NRXN1):c.3547-313T>C

Gene: NRXN1 (neurexin 1; minus strand). Cytogenetic location: 2p16.3.
Variant type: single nucleotide variant.
Coding change: c.3547-313T>C on transcript NM_001330078.2 (MANE Select); 313 bases into the intron before coding-DNA position 3547, T replaced by C.
Molecular consequence: intron variant.
Genome position (GRCh38, 1-based): chr2:50,091,807, A>G on the plus strand (T>C on the coding strand, the complement: NRXN1 is on the minus strand). VCF-style: chr2-50091807-A-G. GRCh37 (hg19) VCF-style: chr2-50318945-A-G.
Other names: c.3436-313T>C (NM_001330096.2, NM_001330087.2); c.3481-313T>C (NM_001330083.2, NM_001330084.2); c.3466-313T>C (NM_001330088.2); c.3544-313T>C (NM_001330093.2); c.3535-313T>C (NM_001330094.2); c.3496-313T>C (NM_001330095.2); c.3523-313T>C (NM_001330082.2, NM_001330077.2); c.3520-313T>C (NM_001330085.2); and 3 more.
Identifiers: ClinVar variation 669862 (VCV000669862.1), dbSNP rs73932925, ClinGen allele CA47843247.